The following is an entry in ClinVar:

NM_000069.3(CACNA1S):c.1321A>G (p.Ile441Val)

Gene: CACNA1S (calcium voltage-gated channel subunit alpha1 S; minus strand). Cytogenetic location: 1q32.1.
Variant type: single nucleotide variant.
Coding change: c.1321A>G on transcript NM_000069.3 (MANE Select); coding-DNA position 1321, A replaced by G.
Protein change: p.Ile441Val; replaces isoleucine 441 with valine.
Molecular consequence: missense variant.
Genome position (GRCh38, 1-based): chr1:201,083,234, T>C on the plus strand (A>G on the coding strand, the complement: CACNA1S is on the minus strand). VCF-style: chr1-201083234-T-C. GRCh37 (hg19) VCF-style: chr1-201052362-T-C.
Other names: short protein forms I441V.
Identifiers: ClinVar variation 4757166 (VCV004757166.1).

ClinVar aggregate classification (germline): Uncertain significance (1 of 4 stars; one submission).

Conditions:
Malignant hyperthermia, susceptibility to, 5 (MHS5). Also called: CACNA1S-Related Malignant Hyperthermia Susceptibility. Identifiers: Orphanet 423, MedGen C1866077, MONDO:0011163, OMIM 601887.

Submission:

Color Diagnostics, LLC DBA Color Health
Classification: Uncertain significance for Malignant hyperthermia, susceptibility to, 5. Last evaluated: 2025-06-29. Review status: criteria provided, single submitter. Criteria: ACMG Guidelines, 2015. Collection method: clinical testing. Allele origin: germline.
Comment: This missense variant replaces isoleucine with valine at codon 441 of the CACNA1S protein. Computational prediction suggests that this variant may not impact protein structure and function. To our knowledge, functional studies have not been reported for this variant. This variant has not been reported in individuals affected with CACNA1S-related disorders in the literature. This variant has not been identified in the general population by the Genome Aggregation Database (gnomAD). The available evidence is insufficient to determine the role of this variant in disease conclusively. Therefore, this variant is classified as a Variant of Uncertain Significance.